The following is an entry in ClinVar:

NM_024753.5(TTC21B):c.3338C>T (p.Pro1113Leu)

Gene: TTC21B (tetratricopeptide repeat domain 21B; minus strand). Cytogenetic location: 2q24.3.
Variant type: single nucleotide variant.
Coding change: c.3338C>T on transcript NM_024753.5 (MANE Select); coding-DNA position 3338, C replaced by T.
Protein change: p.Pro1113Leu; replaces proline 1113 with leucine.
Molecular consequence: missense variant.
Genome position (GRCh38, 1-based): chr2:165,888,400, G>A on the plus strand (C>T on the coding strand, the complement: TTC21B is on the minus strand). VCF-style: chr2-165888400-G-A. GRCh37 (hg19) VCF-style: chr2-166744910-G-A.
Other names: c.3338C>T (NM_024753.3, NM_024753.4); short protein forms P1113L.
Identifiers: ClinVar variation 1912089 (VCV001912089.8), dbSNP rs2468118340, ClinGen allele CA349047646.

ClinVar aggregate classification (germline): Uncertain significance. Review status: criteria provided, multiple submitters, no conflicts (2 of 4 stars). 3 submissions from 3 submitters: Uncertain significance (3). Last evaluated 2026-09-15.

Conditions:
TTC21B-related disorder. Also called: TTC21B-related disorders; TTC21B-related condition.
Inborn genetic diseases. Identifiers: MedGen C0950123, MeSH D030342.
Jeune thoracic dystrophy. Also called: Jeune syndrome; Short-rib thoracic dysplasia; Infantile thoracic dystrophy; Thoracic pelvic phalangeal dystrophy; Jeune's syndrome; Chondroectodermal dysplasia-like syndrome. Identifiers: Orphanet 474, MedGen C0265275, MONDO:0018770.
Nephronophthisis. Also called: Juvenile Nephronophthisis. Identifiers: Orphanet 655, MedGen C0687120, MONDO:0019005, HP:0000090.

Allele frequency attached by ClinVar (database versions not stated): gnomAD exomes below 0.00001.
gnomAD v4.1: 3 of 1,613,852 alleles (0.00019%); highest among the groups gnomAD compares: Non-Finnish European, 0.00025%; no homozygotes.

Submissions (3):

PreventionGenetics, part of Exact Sciences
Classification: Uncertain significance for TTC21B-related condition. Last evaluated: 2026-09-15. Review status: criteria provided, single submitter. Criteria: ACMG Guidelines, 2015. Collection method: clinical testing. Allele origin: germline.
Comment: The TTC21B c.3338C>T variant is predicted to result in the amino acid substitution p.Pro1113Leu. To our knowledge, this variant has not been reported in the literature or in a large population database (gnomAD), indicating this variant is rare. At this time, the clinical significance of this variant is uncertain due to the absence of conclusive functional and genetic evidence.

Labcorp Genetics (formerly Invitae), Labcorp
Classification: Uncertain significance for Jeune thoracic dystrophy; Nephronophthisis. Last evaluated: 2023-06-30. Review status: criteria provided, single submitter. Criteria: Invitae Variant Classification Sherloc (09022015). Collection method: clinical testing. Allele origin: germline.
Comment: In summary, the available evidence is currently insufficient to determine the role of this variant in disease. Therefore, it has been classified as a Variant of Uncertain Significance. Advanced modeling of protein sequence and biophysical properties (such as structural, functional, and spatial information, amino acid conservation, physicochemical variation, residue mobility, and thermodynamic stability) performed at Invitae indicates that this missense variant is not expected to disrupt TTC21B protein function. ClinVar contains an entry for this variant (Variation ID: 1912089). This variant has not been reported in the literature in individuals affected with TTC21B-related conditions. This variant is not present in population databases (gnomAD no frequency). This sequence change replaces proline, which is neutral and non-polar, with leucine, which is neutral and non-polar, at codon 1113 of the TTC21B protein (p.Pro1113Leu).

Ambry Genetics
Classification: Uncertain significance for Inborn genetic diseases. Last evaluated: 2023-06-05. Review status: criteria provided, single submitter. Criteria: Ambry Variant Classification Scheme 2023. Collection method: clinical testing. Allele origin: germline.